The following is an entry in ClinVar:

ClinVar aggregate classification (germline): Benign (1 of 4 stars; one submission).

Conditions:
Episodic ataxia type 5. Identifiers: Orphanet 211067, MedGen C1866039, MONDO:0013464, OMIM 613855.

Allele frequency attached by ClinVar (database versions not stated): gnomAD 0.00017 and 0.00018; TOPMed 0.00031; 1000 Genomes Project 30x 0.00078; 1000 Genomes Project 0.00080.

Submission:

Illumina Laboratory Services, Illumina
Classification: Benign for Episodic ataxia type 5. Last evaluated: 2018-01-12. Review status: criteria provided, single submitter. Criteria: ICSL Variant Classification Criteria 13 December 2019. Collection method: clinical testing. Allele origin: germline.
Comment: This variant was observed in the ICSL laboratory as part of a predisposition screen in an ostensibly healthy population. It had not been previously curated by ICSL or reported in the Human Gene Mutation Database (HGMD: prior to June 1st, 2018), and was therefore a candidate for classification through an automated scoring system. Utilizing variant allele frequency, disease prevalence and penetrance estimates, and inheritance mode, an automated score was calculated to assess if this variant is too frequent to cause the disease. Based on the score and internal cut-off values, a variant classified as benign is not then subjected to further curation. The score for this variant resulted in a classification of benign for this disease.

NM_000726.5(CACNB4):c.*424A>C

Gene: CACNB4 (calcium voltage-gated channel auxiliary subunit beta 4; minus strand). Cytogenetic location: 2q23.3.
Variant type: single nucleotide variant.
Coding change: c.*424A>C on transcript NM_000726.5 (MANE Select); 424 bases downstream of the stop codon, A replaced by C.
Molecular consequence: 3 prime UTR variant.
Genome position (GRCh38, 1-based): chr2:151,838,695, T>G on the plus strand (A>C on the coding strand, the complement: CACNB4 is on the minus strand). VCF-style: chr2-151838695-T-G. GRCh37 (hg19) VCF-style: chr2-152695209-T-G.
Other names: c.*424A>C (NM_001005746.4, NM_001005747.4, NM_001145798.3 and 7 more transcripts).
Identifiers: ClinVar variation 893785 (VCV000893785.4), dbSNP rs568825260, ClinGen allele CA57683276.